The following is an entry in ClinVar:

NM_025179.4(PLXNA2):c.5512C>T (p.Arg1838Cys)

Gene: PLXNA2 (plexin A2; minus strand). Cytogenetic location: 1q32.2.
Variant type: single nucleotide variant.
Coding change: c.5512C>T on transcript NM_025179.4 (MANE Select); coding-DNA position 5512, C replaced by T.
Protein change: p.Arg1838Cys; replaces arginine 1838 with cysteine.
Molecular consequence: missense variant.
Genome position (GRCh38, 1-based): chr1:208,028,086, G>A on the plus strand (C>T on the coding strand, the complement: PLXNA2 is on the minus strand). VCF-style: chr1-208028086-G-A. GRCh37 (hg19) VCF-style: chr1-208201431-G-A.
Other names: c.5512C>T (NM_025179.3); short protein forms R1838C.
Identifiers: ClinVar variation 1917052 (VCV001917052.6), dbSNP rs758243795, ClinGen allele CA1372542.

ClinVar aggregate classification (germline): Uncertain significance. Review status: criteria provided, single submitter (1 of 4 stars). 2 submissions from 2 submitters: Uncertain significance (1). 1 of the submissions does not count toward it. Last evaluated 2022-08-25.

Conditions:
PLXNA2-related disorder. Also called: PLXNA2-related condition.

Allele frequency attached by ClinVar (database versions not stated): ExAC 0.00001; gnomAD exomes 0.00001.
gnomAD v4.1: 15 of 1,613,578 alleles (0.00093%); highest among the groups gnomAD compares: South Asian, 0.0033%; no homozygotes.

Submissions (2):

Labcorp Genetics (formerly Invitae), Labcorp
Classification: Uncertain significance. Last evaluated: 2022-08-25. Review status: criteria provided, single submitter. Criteria: Invitae Variant Classification Sherloc (09022015). Collection method: clinical testing. Allele origin: germline.
Comment: This sequence change replaces arginine, which is basic and polar, with cysteine, which is neutral and slightly polar, at codon 1838 of the PLXNA2 protein (p.Arg1838Cys). This variant is present in population databases (rs758243795, gnomAD 0.003%). This variant has not been reported in the literature in individuals affected with PLXNA2-related conditions. Algorithms developed to predict the effect of missense changes on protein structure and function are either unavailable or do not agree on the potential impact of this missense change (SIFT: "Deleterious"; PolyPhen-2: "Probably Damaging"; Align-GVGD: "Class C0"). In summary, the available evidence is currently insufficient to determine the role of this variant in disease. Therefore, it has been classified as a Variant of Uncertain Significance.

PreventionGenetics, part of Exact Sciences
Classification: Uncertain significance for PLXNA2-related condition. Last evaluated: 2024-03-15. Review status: no assertion criteria provided. Collection method: clinical testing. Allele origin: germline. Not counted in ClinVar's aggregate classification.
Comment: The PLXNA2 c.5512C>T variant is predicted to result in the amino acid substitution p.Arg1838Cys. To our knowledge, this variant has not been reported in the literature. This variant is reported in 0.0033% of alleles in individuals of South Asian descent in gnomAD. At this time, the clinical significance of this variant is uncertain due to the absence of conclusive functional and genetic evidence.